The following is an entry in ClinVar:

NM_206933.4(USH2A):c.6175G>T (p.Val2059Phe)

Gene: USH2A (usherin; minus strand). Cytogenetic location: 1q41.
Variant type: single nucleotide variant.
Coding change: c.6175G>T on transcript NM_206933.4 (MANE Select); coding-DNA position 6175, G replaced by T.
Protein change: p.Val2059Phe; replaces valine 2059 with phenylalanine.
Molecular consequence: missense variant.
Genome position (GRCh38, 1-based): chr1:216,046,581, C>A on the plus strand (G>T on the coding strand, the complement: USH2A is on the minus strand). VCF-style: chr1-216046581-C-A. GRCh37 (hg19) VCF-style: chr1-216219923-C-A.
Other names: short protein forms V2059F.
Identifiers: ClinVar variation 1421845 (VCV001421845.6), dbSNP rs767444125, ClinGen allele CA1395197.

ClinVar aggregate classification (germline): Uncertain significance. Review status: criteria provided, multiple submitters, no conflicts (2 of 4 stars). 2 submissions from 2 submitters: Uncertain significance (2). Last evaluated 2024-08-11.

Allele frequency attached by ClinVar (database versions not stated): TOPMed below 0.00001; gnomAD 0.00001; ExAC 0.00005; gnomAD exomes 0.00005.
gnomAD v4.1: 39 of 1,613,706 alleles (0.0024%); highest among the groups gnomAD compares: South Asian, 0.04%; no homozygotes.

Submissions (2):

Blueprint Genetics
Classification: Uncertain significance. Last evaluated: 2024-08-11. Review status: criteria provided, single submitter. Criteria: ACMG Guidelines, 2015. Collection method: clinical testing. Allele origin: germline.

Labcorp Genetics (formerly Invitae), Labcorp
Classification: Uncertain significance. Last evaluated: 2021-09-17. Review status: criteria provided, single submitter. Criteria: Invitae Variant Classification Sherloc (09022015). Collection method: clinical testing. Allele origin: germline.
Comment: This sequence change replaces valine with phenylalanine at codon 2059 of the USH2A protein (p.Val2059Phe). The valine residue is highly conserved and there is a small physicochemical difference between valine and phenylalanine. This variant is present in population databases (rs767444125, ExAC 0.04%). This variant has not been reported in the literature in individuals with USH2A-related conditions. Algorithms developed to predict the effect of missense changes on protein structure and function are either unavailable or do not agree on the potential impact of this missense change (SIFT: "Deleterious"; PolyPhen-2: "Probably Damaging"; Align-GVGD: "Class C0"). In summary, the available evidence is currently insufficient to determine the role of this variant in disease. Therefore, it has been classified as a Variant of Uncertain Significance.